The following is an entry in ClinVar:

NM_199420.4(POLQ):c.2249C>T (p.Ser750Phe)

Gene: POLQ (DNA polymerase theta; minus strand). Cytogenetic location: 3q13.33.
Variant type: single nucleotide variant.
Coding change: c.2249C>T on transcript NM_199420.4 (MANE Select); coding-DNA position 2249, C replaced by T.
Protein change: p.Ser750Phe; replaces serine 750 with phenylalanine.
Molecular consequence: missense variant.
Genome position (GRCh38, 1-based): chr3:121,496,837, G>A on the plus strand (C>T on the coding strand, the complement: POLQ is on the minus strand). VCF-style: chr3-121496837-G-A. GRCh37 (hg19) VCF-style: chr3-121215684-G-A.
Other names: short protein forms S750F.
Identifiers: ClinVar variation 2449016 (VCV002449016.2), dbSNP rs2048128275, ClinGen allele CA354108895.

ClinVar aggregate classification (germline): Uncertain significance (1 of 4 stars; one submission).

Submission:

Ambry Genetics
Classification: Uncertain significance. Last evaluated: 2023-02-15. Review status: criteria provided, single submitter. Criteria: Ambry Variant Classification Scheme 2023. Collection method: clinical testing. Allele origin: germline.
Comment: The p.S750F variant (also known as c.2249C>T), located in coding exon 14 of the POLQ gene, results from a C to T substitution at nucleotide position 2249. The serine at codon 750 is replaced by phenylalanine, an amino acid with highly dissimilar properties. This amino acid position is conserved. In addition, the in silico prediction for this alteration is inconclusive. Since supporting evidence is limited at this time, the clinical significance of this alteration remains unclear.